The following is an entry in ClinVar:

ClinVar aggregate classification (germline): Uncertain significance (1 of 4 stars; one submission).

Conditions:
Diffuse cerebral and cerebellar atrophy - intractable seizures - progressive microcephaly syndrome. Also called: Microcephaly, progressive, with seizures and cerebral and cerebellar atrophy. Identifiers: Orphanet 404437, MedGen C4014239, MONDO:0014335, OMIM 615760.

gnomAD v4.1: 14 of 1,614,170 alleles (0.00087%); highest among the groups gnomAD compares: Non-Finnish European, 0.0012%; no homozygotes.

Submission:

Labcorp Genetics (formerly Invitae), Labcorp
Classification: Uncertain significance for Diffuse cerebral and cerebellar atrophy - intractable seizures - progressive microcephaly syndrome. Last evaluated: 2019-04-30. Review status: criteria provided, single submitter. Criteria: Invitae Variant Classification Sherloc (09022015). Collection method: clinical testing. Allele origin: germline.
Comment: This sequence change replaces proline with histidine at codon 737 of the QARS protein (p.Pro737His). The proline residue is moderately conserved and there is a moderate physicochemical difference between proline and histidine. This variant is present in population databases (rs772699618, ExAC 0.001%). This variant has not been reported in the literature in individuals with QARS-related conditions. Algorithms developed to predict the effect of missense changes on protein structure and function (SIFT, PolyPhen-2, Align-GVGD) all suggest that this variant is likely to be tolerated, but these predictions have not been confirmed by published functional studies and their clinical significance is uncertain. In summary, the available evidence is currently insufficient to determine the role of this variant in disease. Therefore, it has been classified as a Variant of Uncertain Significance.

NM_005051.3(QARS1):c.2210C>A (p.Pro737His)

Gene: QARS1 (glutaminyl-tRNA synthetase 1; minus strand). Cytogenetic location: 3p21.31.
Variant type: single nucleotide variant.
Coding change: c.2210C>A on transcript NM_005051.3 (MANE Select); coding-DNA position 2210, C replaced by A.
Protein change: p.Pro737His; replaces proline 737 with histidine.
Molecular consequence: missense variant. On other transcripts: non-coding transcript variant (1).
Genome position (GRCh38, 1-based): chr3:49,098,059, G>T on the plus strand (C>A on the coding strand, the complement: QARS1 is on the minus strand). VCF-style: chr3-49098059-G-T. GRCh37 (hg19) VCF-style: chr3-49135492-G-T.
Other names: c.2177C>A, p.Pro726His (NM_001272073.2); short protein forms P726H, P737H.
Identifiers: ClinVar variation 836882 (VCV000836882.1), dbSNP rs772699618, ClinGen allele CA2391477.